The following is an entry in ClinVar:

NM_032043.3(BRIP1):c.958A>G (p.Ser320Gly)

Gene: BRIP1 (BRCA1 interacting DNA helicase 1; minus strand). Cytogenetic location: 17q23.2.
Variant type: single nucleotide variant.
Coding change: c.958A>G on transcript NM_032043.3 (MANE Select); coding-DNA position 958, A replaced by G.
Protein change: p.Ser320Gly; replaces serine 320 with glycine.
Molecular consequence: missense variant.
Genome position (GRCh38, 1-based): chr17:61,801,435, T>C on the plus strand (A>G on the coding strand, the complement: BRIP1 is on the minus strand). VCF-style: chr17-61801435-T-C. GRCh37 (hg19) VCF-style: chr17-59878796-T-C.
Other names: c.958A>G (NM_032043.2); short protein forms S320G.
Identifiers: ClinVar variation 1470774 (VCV001470774.10), dbSNP rs2145341128, ClinGen allele CA400484240.

ClinVar aggregate classification (germline): Uncertain significance. Review status: criteria provided, multiple submitters, no conflicts (2 of 4 stars). 2 submissions from 2 submitters: Uncertain significance (2). Last evaluated 2025-03-22.

Conditions:
Hereditary cancer-predisposing syndrome. Also called: Neoplastic Syndromes, Hereditary; Hereditary Cancer Syndrome; Tumor predisposition; Hereditary neoplastic syndrome. Identifiers: Orphanet 140162, MedGen C0027672, MeSH D009386, MONDO:0015356.
Familial cancer of breast. Also called: Hereditary breast cancer; BREAST CANCER, FAMILIAL; hereditary breast carcinoma. Identifiers: Orphanet 227535, MedGen C0346153, MONDO:0016419, OMIM 114480. Disease mechanism: loss of function.
Fanconi anemia complementation group J. Also called: BRIP1-Related Fanconi Anemia. Identifiers: Orphanet 84, MedGen C1836860, MONDO:0012187, OMIM 609054.

Allele frequency attached by ClinVar (database versions not stated): gnomAD exomes below 0.00001.
gnomAD v4.1: 3 of 1,613,730 alleles (0.00019%); highest among the groups gnomAD compares: Non-Finnish European, 0.00025%; no homozygotes.

Submissions (2):

Ambry Genetics
Classification: Uncertain significance for Hereditary cancer-predisposing syndrome. Last evaluated: 2025-03-22. Review status: criteria provided, single submitter. Criteria: Ambry Variant Classification Scheme 2023. Collection method: clinical testing. Allele origin: germline.
Comment: The p.S320G variant (also known as c.958A>G), located in coding exon 7 of the BRIP1 gene, results from an A to G substitution at nucleotide position 958. The serine at codon 320 is replaced by glycine, an amino acid with similar properties. This amino acid position is conserved. In addition, this alteration is predicted to be tolerated by in silico analysis. Based on the available evidence, the clinical significance of this variant remains unclear.

Labcorp Genetics (formerly Invitae), Labcorp
Classification: Uncertain significance for Familial cancer of breast; Fanconi anemia complementation group J. Last evaluated: 2023-05-09. Review status: criteria provided, single submitter. Criteria: Invitae Variant Classification Sherloc (09022015). Collection method: clinical testing. Allele origin: germline.
Comment: This sequence change replaces serine, which is neutral and polar, with glycine, which is neutral and non-polar, at codon 320 of the BRIP1 protein (p.Ser320Gly). This variant is not present in population databases (gnomAD no frequency). This variant has not been reported in the literature in individuals affected with BRIP1-related conditions. ClinVar contains an entry for this variant (Variation ID: 1470774). Advanced modeling of protein sequence and biophysical properties (such as structural, functional, and spatial information, amino acid conservation, physicochemical variation, residue mobility, and thermodynamic stability) performed at Invitae indicates that this missense variant is not expected to disrupt BRIP1 protein function. RNA analysis performed to evaluate the impact of this missense change on mRNA splicing indicates it does not significantly alter splicing (Invitae). In summary, the available evidence is currently insufficient to determine the role of this variant in disease. Therefore, it has been classified as a Variant of Uncertain Significance.